The following is an entry in ClinVar:

NM_000136.3(FANCC):c.214G>T (p.Ala72Ser)

Gene: FANCC (FA complementation group C; minus strand). Cytogenetic location: 9q22.32.
Variant type: single nucleotide variant.
Coding change: c.214G>T on transcript NM_000136.3 (MANE Select); coding-DNA position 214, G replaced by T.
Protein change: p.Ala72Ser; replaces alanine 72 with serine.
Molecular consequence: missense variant.
Genome position (GRCh38, 1-based): chr9:95,247,468, C>A on the plus strand (G>T on the coding strand, the complement: FANCC is on the minus strand). VCF-style: chr9-95247468-C-A. GRCh37 (hg19) VCF-style: chr9-98009750-C-A.
Other names: c.214G>T, p.Ala72Ser (NM_001243743.2, NM_001243744.2); short protein forms A72S.
Identifiers: ClinVar variation 1312583 (VCV001312583.6), dbSNP rs567465885, ClinGen allele CA374340067.

ClinVar aggregate classification (germline): Uncertain significance. Review status: criteria provided, multiple submitters, no conflicts (2 of 4 stars). 3 submissions from 3 submitters: Uncertain significance (3). Last evaluated 2025-11-16.

Conditions:
Hereditary cancer-predisposing syndrome. Also called: Tumor predisposition; Neoplastic Syndromes, Hereditary; Hereditary Cancer Syndrome; Hereditary neoplastic syndrome. Identifiers: Orphanet 140162, MedGen C0027672, MeSH D009386, MONDO:0015356.
Fanconi anemia (FA). Also called: Fanconi's anemia. Identifiers: Orphanet 84, MedGen C0015625, MeSH D005199, MONDO:0019391.

gnomAD v4.1: 1 of 1,613,496 alleles (0.000062%); highest among the groups gnomAD compares: African/African-American, 0.0013%; no homozygotes.

Submissions (3):

Ambry Genetics
Classification: Uncertain significance for Hereditary cancer-predisposing syndrome. Last evaluated: 2025-11-16. Review status: criteria provided, single submitter. Criteria: Ambry Variant Classification Scheme 2023. Collection method: clinical testing. Allele origin: germline.
Comment: The p.A72S variant (also known as c.214G>T), located in coding exon 2 of the FANCC gene, results from a G to T substitution at nucleotide position 214. The alanine at codon 72 is replaced by serine, an amino acid with similar properties. This amino acid position is conserved. In addition, this alteration is predicted to be tolerated by in silico analysis. Since supporting evidence is limited at this time, the clinical significance of this alteration remains unclear.

Labcorp Genetics (formerly Invitae), Labcorp
Classification: Uncertain significance for Fanconi anemia. Last evaluated: 2022-03-10. Review status: criteria provided, single submitter. Criteria: Invitae Variant Classification Sherloc (09022015). Collection method: clinical testing. Allele origin: germline.
Comment: This sequence change replaces alanine, which is neutral and non-polar, with serine, which is neutral and polar, at codon 72 of the FANCC protein (p.Ala72Ser). This variant is not present in population databases (gnomAD no frequency). This variant has not been reported in the literature in individuals affected with FANCC-related conditions. ClinVar contains an entry for this variant (Variation ID: 1312583). Algorithms developed to predict the effect of missense changes on protein structure and function are either unavailable or do not agree on the potential impact of this missense change (SIFT: "Tolerated"; PolyPhen-2: "Possibly Damaging"; Align-GVGD: "Class C0"). In summary, the available evidence is currently insufficient to determine the role of this variant in disease. Therefore, it has been classified as a Variant of Uncertain Significance.

GeneDx
Classification: Uncertain significance. Last evaluated: 2020-03-12. Review status: criteria provided, single submitter. Criteria: GeneDx Variant Classification Process June 2021. Collection method: clinical testing. Allele origin: germline. Affected: yes.
Comment: Not observed in large population cohorts (Lek 2016); In silico analysis supports that this missense variant does not alter protein structure/function; Identified in healthy individuals undergoing whole genome sequencing (Bodian 2014); This variant is associated with the following publications: (PMID: 24728327)